The following is an entry in ClinVar:

NM_194248.3(OTOF):c.1186G>A (p.Asp396Asn)

Gene: OTOF (otoferlin; minus strand). Cytogenetic location: 2p23.3.
Variant type: single nucleotide variant.
Coding change: c.1186G>A on transcript NM_194248.3 (MANE Select); coding-DNA position 1186, G replaced by A.
Protein change: p.Asp396Asn; replaces aspartic acid 396 with asparagine.
Molecular consequence: missense variant.
Genome position (GRCh38, 1-based): chr2:26,484,493, C>T on the plus strand (G>A on the coding strand, the complement: OTOF is on the minus strand). VCF-style: chr2-26484493-C-T. GRCh37 (hg19) VCF-style: chr2-26707361-C-T.
Other names: c.1186G>A, p.Asp396Asn (NM_001287489.2); short protein forms D396N.
Identifiers: ClinVar variation 1683964 (VCV001683964.4), dbSNP rs760394336, ClinGen allele CA1564361.

ClinVar aggregate classification (germline): Uncertain significance (1 of 4 stars; one submission).

Allele frequency attached by ClinVar (database versions not stated): gnomAD 0.00003 and 0.00004; gnomAD exomes 0.00004 and 0.00005; ExAC 0.00003; TOPMed 0.00003.
gnomAD v4.1: 76 of 1,613,940 alleles (0.0047%); highest among the groups gnomAD compares: East Asian, 0.0089%; no homozygotes.

Submission:

GeneDx
Classification: Uncertain significance. Last evaluated: 2026-01-08. Review status: criteria provided, single submitter. Criteria: GeneDx Variant Classification Process June 2021. Collection method: clinical testing. Allele origin: germline. Affected: yes.
Comment: In silico analysis supports that this missense variant has a deleterious effect on protein structure/function; Has not been previously published as pathogenic or benign to our knowledge